The following is an entry in ClinVar:

NM_016284.5(CNOT1):c.1617_1618delinsAA (p.Met539_His540delinsIleAsn)

Gene: CNOT1 (CCR4-NOT transcription complex subunit 1; minus strand). Cytogenetic location: 16q21.
Variant type: Indel.
Coding change: c.1617_1618delinsAA on transcript NM_016284.5 (MANE Select); coding-DNA positions 1617 to 1618, GC replaced by AA.
Protein change: p.Met539_His540delinsIleAsn.
Molecular consequence: missense variant. On other transcripts: non-coding transcript variant (1).
Genome position (GRCh38, 1-based): chr16:58,576,549-58,576,550, GC replaced by TT on the plus strand (GC replaced by AA on the coding strand, the reverse complement: CNOT1 is on the minus strand). VCF-style: chr16-58576549-GC-TT. GRCh37 (hg19) VCF-style: chr16-58610453-GC-TT.
Other names: c.1617_1618delinsAA, p.Met539_His540delinsIleAsn (NM_001265612.2, NM_206999.3).
Identifiers: ClinVar variation 3650693 (VCV003650693.2).

ClinVar aggregate classification (germline): Uncertain significance (1 of 4 stars; one submission).

Submission:

Labcorp Genetics (formerly Invitae), Labcorp
Classification: Uncertain significance. Last evaluated: 2026-01-05. Review status: criteria provided, single submitter. Criteria: Invitae Variant Classification Sherloc (09022015). Collection method: clinical testing. Allele origin: germline.
Comment: This variant, c.1617_1618delinsAA, is a complex sequence change that results in the deletion of 2 and insertion of 2 amino acid(s) in the CNOT1 protein (p.Met539_His540delinsIleAsn). Information on the frequency of this variant in the gnomAD database is not available, as this variant may be reported differently in the database. This variant has not been reported in the literature in individuals affected with CNOT1-related conditions. ClinVar contains an entry for this variant (Variation ID: 3650693). Experimental studies and prediction algorithms are not available or were not evaluated, and the functional significance of this variant is currently unknown. In summary, the available evidence is currently insufficient to determine the role of this variant in disease. Therefore, it has been classified as a Variant of Uncertain Significance.